The following is an entry in ClinVar:

ClinVar aggregate classification (germline): Uncertain significance. Review status: criteria provided, multiple submitters, no conflicts (2 of 4 stars). 2 submissions from 2 submitters: Uncertain significance (2). Last evaluated 2026-02-17.

Conditions:
Aicardi-Goutieres syndrome 4. Identifiers: Orphanet 51, MedGen C1835912, MONDO:0012472, OMIM 610333.
Inborn genetic diseases. Identifiers: MedGen C0950123, MeSH D030342.

Allele frequency attached by ClinVar (database versions not stated): gnomAD exomes below 0.00001; gnomAD 0.00002; TOPMed 0.00003; ESP Exome Variant Server 0.00008.
gnomAD v4.1: 5 of 1,613,964 alleles (0.00031%); highest among the groups gnomAD compares: Non-Finnish European, 0.00042%; no homozygotes.

Submissions (2):

Ambry Genetics
Classification: Uncertain significance for Inborn genetic diseases. Last evaluated: 2026-02-17. Review status: criteria provided, single submitter. Criteria: Ambry Variant Classification Scheme 2023. Collection method: clinical testing. Allele origin: germline.

Labcorp Genetics (formerly Invitae), Labcorp
Classification: Uncertain significance for Aicardi-Goutieres syndrome 4. Last evaluated: 2022-08-06. Review status: criteria provided, single submitter. Criteria: Invitae Variant Classification Sherloc (09022015). Collection method: clinical testing. Allele origin: germline.
Comment: This sequence change replaces threonine, which is neutral and polar, with isoleucine, which is neutral and non-polar, at codon 142 of the RNASEH2A protein (p.Thr142Ile). This variant is not present in population databases (gnomAD no frequency). This variant has not been reported in the literature in individuals affected with RNASEH2A-related conditions. ClinVar contains an entry for this variant (Variation ID: 1414042). Algorithms developed to predict the effect of missense changes on protein structure and function (SIFT, PolyPhen-2, Align-GVGD) all suggest that this variant is likely to be disruptive. In summary, the available evidence is currently insufficient to determine the role of this variant in disease. Therefore, it has been classified as a Variant of Uncertain Significance.

NM_006397.3(RNASEH2A):c.425C>T (p.Thr142Ile)

Gene: RNASEH2A (ribonuclease H2 subunit A; plus strand). Cytogenetic location: 19p13.13.
Variant type: single nucleotide variant.
Coding change: c.425C>T on transcript NM_006397.3 (MANE Select); coding-DNA position 425, C replaced by T.
Protein change: p.Thr142Ile; replaces threonine 142 with isoleucine.
Molecular consequence: missense variant.
Genome position (GRCh38, 1-based): chr19:12,810,084, C>T. VCF-style: chr19-12810084-C-T. GRCh37 (hg19) VCF-style: chr19-12920898-C-T.
Other names: c.425C>T (NM_006397.2); short protein forms T142I.
Identifiers: ClinVar variation 1414042 (VCV001414042.4), dbSNP rs373008346, ClinGen allele CA305493117.